The following is an entry in ClinVar:

NM_000053.4(ATP7B):c.3939T>C (p.Leu1313=)

Gene: ATP7B (ATPase copper transporting beta; minus strand). Cytogenetic location: 13q14.3.
Variant type: single nucleotide variant.
Coding change: c.3939T>C on transcript NM_000053.4 (MANE Select); coding-DNA position 3939, T replaced by C.
Protein change: p.Leu1313=; no amino-acid change (leucine 1313 retained).
Molecular consequence: synonymous variant.
Genome position (GRCh38, 1-based): chr13:51,937,358, A>G on the plus strand (T>C on the coding strand, the complement: ATP7B is on the minus strand). VCF-style: chr13-51937358-A-G. GRCh37 (hg19) VCF-style: chr13-52511494-A-G.
Other names: c.3318T>C, p.Leu1106= (NM_001005918.3); c.3606T>C, p.Leu1202= (NM_001243182.2); c.3705T>C, p.Leu1235= (NM_001330578.2); c.3687T>C, p.Leu1229= (NM_001330579.2).
Identifiers: ClinVar variation 1154672 (VCV001154672.10), dbSNP rs896916123, ClinGen allele CA250073397.
Genomic context (GRCh38, chr13:51,937,358, plus strand): 5'-CAGGTTATAAATCAGTGCCAGGACCAGGTTGATGCGTATCCTTCGGACAGTCCTCTTGGA[A>G]AGGTGAATGCTAGCCACCACATCCAGCAAATCATTCTGATGGAGAGGAGCACACAGTGAG-3'
Protein context (NP_000044.2, residues 1303-1323): DLLDVVASIH[Leu1313=]SKRTVRRIRI

ClinVar aggregate classification (germline): Likely benign. Review status: criteria provided, multiple submitters, no conflicts (2 of 4 stars). 3 submissions from 3 submitters: Likely benign (3). Last evaluated 2024-04-14.

Conditions:
Wilson disease (WND). Also called: Wilson's disease. Identifiers: Orphanet 905, MedGen C0019202, MONDO:0010200, OMIM 277900. Disease mechanism: loss of function.

Allele frequency attached by ClinVar (database versions not stated): gnomAD 0.00001; TOPMed 0.00001.
gnomAD v4.1: 5 of 1,614,098 alleles (0.00031%); highest among the groups gnomAD compares: Non-Finnish European, 0.00042%; no homozygotes.

Submissions (3):

Labcorp Genetics (formerly Invitae), Labcorp
Classification: Likely benign for Wilson disease. Last evaluated: 2024-04-14. Review status: criteria provided, single submitter. Criteria: Invitae Variant Classification Sherloc (09022015). Collection method: clinical testing. Allele origin: germline.

All of Us Research Program, National Institutes of Health
Classification: Likely benign for Wilson disease. Last evaluated: 2024-02-05. Review status: criteria provided, single submitter. Criteria: ACMG Guidelines, 2015. Collection method: clinical testing. Allele origin: germline. Inheritance: Autosomal recessive inheritance. Observed: 2 variant alleles, 2 heterozygotes.
Comment: This study involves interpretation of variants in research participants for the purpose of population health screening. Participant phenotype was not available at the time of variant classification. Additional details can be found in publication PMID: 35346344, PMCID: PMC8962531

Color Diagnostics, LLC DBA Color Health
Classification: Likely benign for Wilson disease. Last evaluated: 2022-06-17. Review status: criteria provided, single submitter. Criteria: ACMG Guidelines, 2015. Collection method: clinical testing. Allele origin: germline.